The following is an entry in ClinVar:

NC_000006.11:g.(?_80837244)_(80982958_?)del

Gene: BCKDHB (branched chain keto acid dehydrogenase E1 subunit beta; plus strand). Cytogenetic location: 6q14.1.
Variant type: Deletion.
Identifiers: ClinVar variation 2427612 (VCV002427612.4).

ClinVar aggregate classification (germline): Pathogenic (1 of 4 stars; one submission).

Conditions:
Maple syrup urine disease (MSUD). Identifiers: Orphanet 511, MedGen C0024776, MeSH D008375, MONDO:0009563. Disease mechanism: loss of function.

Submission:

Labcorp Genetics (formerly Invitae), Labcorp
Classification: Pathogenic for Maple syrup urine disease. Last evaluated: 2022-08-10. Review status: criteria provided, single submitter. Criteria: Invitae Variant Classification Sherloc (09022015). Collection method: clinical testing. Allele origin: germline.
Comment: For these reasons, this variant has been classified as Pathogenic. This variant disrupts a region of the BCKDHB protein in which other variant(s) (p.Gln346Arg) have been determined to be pathogenic (PMID: 22326532; Invitae). This suggests that this is a clinically significant region of the protein, and that variants that disrupt it are likely to be disease-causing. This variant has not been reported in the literature in individuals affected with BCKDHB-related conditions. This variant is a gross deletion of the genomic region encompassing exon(s) 2-9 of the BCKDHB gene. While this deletion is not anticipated to lead to nonsense mediated decay, it is expected to disrupt the C-terminus of the protein.

Literature cited by the submitters: PubMed 22326532.